The following is an entry in ClinVar:

NM_001395333.1(MTCL1):c.4592C>T (p.Pro1531Leu)

Gene: MTCL1 (microtubule crosslinking factor 1; plus strand). Cytogenetic location: 18p11.22.
Variant type: single nucleotide variant.
Coding change: c.4592C>T on transcript NM_001395333.1 (MANE Select); coding-DNA position 4592, C replaced by T.
Protein change: p.Pro1531Leu; replaces proline 1531 with leucine.
Molecular consequence: missense variant.
Genome position (GRCh38, 1-based): chr18:8,825,022, C>T. VCF-style: chr18-8825022-C-T. GRCh37 (hg19) VCF-style: chr18-8825020-C-T.
Other names: c.4469C>T, p.Pro1490Leu (NM_001378205.1, NM_001378207.1); c.4592C>T, p.Pro1531Leu (NM_001378206.1); c.3389C>T, p.Pro1130Leu (NM_001395220.1); c.3512C>T, p.Pro1171Leu (NM_015210.4); short protein forms P1130L, P1490L, P1171L, P1531L.
Identifiers: ClinVar variation 3213909 (VCV003213909.2), dbSNP rs149277971, ClinGen allele CA8886628.

ClinVar aggregate classification (germline): Uncertain significance (1 of 4 stars; one submission).

Conditions:
Inborn genetic diseases. Identifiers: MedGen C0950123, MeSH D030342.

Allele frequency attached by ClinVar (database versions not stated): gnomAD exomes 0.00028; ExAC 0.00010; TOPMed 0.00011; gnomAD 0.00009; ESP Exome Variant Server 0.00023.
gnomAD v4.1: 418 of 1,613,038 alleles (0.026%); highest among the groups gnomAD compares: Non-Finnish European, 0.034%; no homozygotes.

Submission:

Ambry Genetics
Classification: Uncertain significance for Inborn genetic diseases. Last evaluated: 2025-05-16. Review status: criteria provided, single submitter. Criteria: Ambry Variant Classification Scheme 2023. Collection method: clinical testing. Allele origin: germline.
Comment: The c.3512C>T (p.P1171L) alteration is located in exon 15 (coding exon 13) of the MTCL1 gene. This alteration results from a C to T substitution at nucleotide position 3512, causing the proline (P) at amino acid position 1171 to be replaced by a leucine (L). Based on data from gnomAD, the T allele has an overall frequency of 0.01% (34/279584) total alleles studied. The highest observed frequency was 0.02% (31/126916) of European (non-Finnish) alleles. This amino acid position is highly conserved in available vertebrate species. This alteration is predicted to be tolerated by in silico analysis. Based on insufficient or conflicting evidence, the clinical significance of this alteration remains unclear.